The following is an entry in ClinVar:

ClinVar aggregate classification (germline): Uncertain significance (1 of 4 stars; one submission).

Allele frequency attached by ClinVar (database versions not stated): 1000 Genomes Project 30x 0.00016; 1000 Genomes Project 0.00020; ExAC 0.00020; TOPMed 0.00029; gnomAD 0.00031; ESP Exome Variant Server 0.00038.
gnomAD v4.1: 202 of 1,586,848 alleles (0.013%); highest among the groups gnomAD compares: Middle Eastern, 0.17%; no homozygotes.

Submission:

Labcorp Genetics (formerly Invitae), Labcorp
Classification: Uncertain significance. Last evaluated: 2022-07-26. Review status: criteria provided, single submitter. Criteria: Invitae Variant Classification Sherloc (09022015). Collection method: clinical testing. Allele origin: germline.
Comment: This sequence change falls in intron 59 of the LAMA5 gene. It does not directly change the encoded amino acid sequence of the LAMA5 protein. It affects a nucleotide within the consensus splice site. This variant is present in population databases (rs201545552, gnomAD 0.09%). This variant has not been reported in the literature in individuals affected with LAMA5-related conditions. Variants that disrupt the consensus splice site are a relatively common cause of aberrant splicing (PMID: 17576681, 9536098). Algorithms developed to predict the effect of sequence changes on RNA splicing suggest that this variant may create or strengthen a splice site. In summary, the available evidence is currently insufficient to determine the role of this variant in disease. Therefore, it has been classified as a Variant of Uncertain Significance.

Literature cited by the submitters: PubMed 17576681; PubMed 9536098.

NM_005560.6(LAMA5):c.8047+4C>T

Gene: LAMA5 (laminin subunit alpha 5; minus strand). Cytogenetic location: 20q13.33.
Variant type: single nucleotide variant.
Coding change: c.8047+4C>T on transcript NM_005560.6 (MANE Select); 4 bases into the intron after coding-DNA position 8047, C replaced by T.
Molecular consequence: intron variant.
Genome position (GRCh38, 1-based): chr20:62,315,024, G>A on the plus strand (C>T on the coding strand, the complement: LAMA5 is on the minus strand). VCF-style: chr20-62315024-G-A. GRCh37 (hg19) VCF-style: chr20-60890080-G-A.
Identifiers: ClinVar variation 2160402 (VCV002160402.1), dbSNP rs201545552, ClinGen allele CA9940918.